The following is an entry in ClinVar:

ClinVar aggregate classification (germline): Pathogenic. Review status: no assertion criteria provided (0 of 4 stars). 2 submissions from 2 submitters: Pathogenic (1). 1 of the submissions does not count toward it. Last evaluated 2007-12-04.

Conditions:
Episodic ataxia type 2 (EA2). Also called: EPISODIC ATAXIA, NYSTAGMUS-ASSOCIATED; ACETAZOLAMIDE-RESPONSIVE HEREDITARY PAROXYSMAL CEREBELLAR ATAXIA; ATAXIA, EPISODIC, WITH NYSTAGMUS; ATAXIA, FAMILIAL PAROXYSMAL; CEREBELLAR ATAXIA, PAROXYSMAL, ACETAZOLAMIDE-RESPONSIVE; CEREBELLOPATHY, HEREDITARY PAROXYSMAL. Identifiers: Orphanet 97, MedGen C1720416, MONDO:0007163, OMIM 108500.

Submissions (2):

OMIM
Classification: Pathogenic for EPISODIC ATAXIA, TYPE 2. Last evaluated: 2007-12-04. Review status: no assertion criteria provided. Collection method: literature only. Allele origin: germline.

UniProtKB/Swiss-Prot
No classification provided. Condition: Episodic ataxia type 2. Review status: no classification provided. Collection method: not provided. Allele origin: germline. Not counted in ClinVar's aggregate classification.
Comment: Variant designated as E1757K in PubMed 11176968

Literature cited by the submitters: PubMed 18056581 (cited by OMIM).

NM_001127222.2(CACNA1A):c.5263G>A (p.Glu1755Lys)

Gene: CACNA1A (calcium voltage-gated channel subunit alpha1 A; minus strand). Cytogenetic location: 19p13.13.
Variant type: single nucleotide variant.
Coding change: c.5263G>A on transcript NM_001127222.2 (MANE Select); coding-DNA position 5263, G replaced by A.
Protein change: p.Glu1755Lys; replaces glutamic acid 1755 with lysine.
Molecular consequence: missense variant.
Genome position (GRCh38, 1-based): chr19:13,231,847, C>T on the plus strand (G>A on the coding strand, the complement: CACNA1A is on the minus strand). VCF-style: chr19-13231847-C-T. GRCh37 (hg19) VCF-style: chr19-13342661-C-T.
Other names: E1757K; c.5281G>A, p.Glu1761Lys (NM_000068.4, NM_023035.3); c.5266G>A, p.Glu1756Lys (NM_001127221.2); c.5272G>A, p.Glu1758Lys (NM_001174080.2); short protein forms E1755K, E1756K, E1758K, E1761K.
Identifiers: ClinVar variation 8500 (VCV000008500.1), dbSNP rs121908226, ClinGen allele CA254457.
Genomic context (GRCh38, chr19:13,231,847, plus strand): 5'-CAGAGTTCTTATCACACGGTTTCCCGCTGAGGCAGGAAAGCATGATGTTGTGCCAAGCTT[C>T]CCCGGTGGCACTCCTGAGGACAGGGAGAAATCAGAGACTCGGACACCCAGCCCTGACTGG-3'
Protein context (NP_001120694.1, residues 1745-1765): LMLLFRSATG[Glu1755Lys]AWHNIMLSCL